The following is an entry in ClinVar:

NM_000122.2(ERCC3):c.326G>A (p.Arg109Gln)

Gene: ERCC3 (ERCC excision repair 3, TFIIH core complex helicase subunit; minus strand). Cytogenetic location: 2q14.3.
Variant type: single nucleotide variant.
Coding change: c.326G>A on transcript NM_000122.2 (MANE Select); coding-DNA position 326, G replaced by A.
Protein change: p.Arg109Gln; replaces arginine 109 with glutamine.
Molecular consequence: missense variant.
Genome position (GRCh38, 1-based): chr2:127,292,755, C>T on the plus strand (G>A on the coding strand, the complement: ERCC3 is on the minus strand). VCF-style: chr2-127292755-C-T. GRCh37 (hg19) VCF-style: chr2-128050331-C-T.
Other names: c.134G>A, p.Arg45Gln (NM_001303416.2, NM_001303418.2); c.326G>A (NM_000122.1); short protein forms R109Q, R45Q.
Identifiers: ClinVar variation 1425214 (VCV001425214.9), dbSNP rs755616510, ClinGen allele CA1858566.

ClinVar aggregate classification (germline): Uncertain significance. Review status: criteria provided, multiple submitters, no conflicts (2 of 4 stars). 2 submissions from 2 submitters: Uncertain significance (2). Last evaluated 2026-01-17.

Conditions:
Inborn genetic diseases. Identifiers: MedGen C0950123, MeSH D030342.

Allele frequency attached by ClinVar (database versions not stated): gnomAD exomes 0.00003; ExAC 0.00004.
gnomAD v4.1: 81 of 1,613,646 alleles (0.005%); highest among the groups gnomAD compares: Non-Finnish European, 0.0067%; no homozygotes.

Submissions (2):

Labcorp Genetics (formerly Invitae), Labcorp
Classification: Uncertain significance. Last evaluated: 2026-01-17. Review status: criteria provided, single submitter. Criteria: Invitae Variant Classification Sherloc (09022015). Collection method: clinical testing. Allele origin: germline.
Comment: This sequence change replaces arginine, which is basic and polar, with glutamine, which is neutral and polar, at codon 109 of the ERCC3 protein (p.Arg109Gln). This variant is present in population databases (rs755616510, gnomAD 0.005%). This variant has not been reported in the literature in individuals affected with ERCC3-related conditions. ClinVar contains an entry for this variant (Variation ID: 1425214). Invitae Evidence Modeling of protein sequence and biophysical properties (such as structural, functional, and spatial information, amino acid conservation, physicochemical variation, residue mobility, and thermodynamic stability) indicates that this missense variant is expected to disrupt ERCC3 protein function with a positive predictive value of 80%. In summary, the available evidence is currently insufficient to determine the role of this variant in disease. Therefore, it has been classified as a Variant of Uncertain Significance.

Ambry Genetics
Classification: Uncertain significance for Inborn genetic diseases. Last evaluated: 2021-06-04. Review status: criteria provided, single submitter. Criteria: Ambry Variant Classification Scheme 2023. Collection method: clinical testing. Allele origin: germline.